The following is an entry in ClinVar:

NM_002878.4(RAD51D):c.-7G>T

Genes: RAD51L3-RFFL (RAD51L3-RFFL readthrough; minus strand), RAD51D (RAD51 paralog D; minus strand). Cytogenetic location: 17q12.
Variant type: single nucleotide variant.
Coding change: c.-7G>T on transcript NM_002878.4 (MANE Select); 7 bases upstream of the start codon, G replaced by T.
Molecular consequence: 5 prime UTR variant. On other transcripts: non-coding transcript variant (2).
Genome position (GRCh38, 1-based): chr17:35,119,620, C>A on the plus strand (G>T on the coding strand, the complement: RAD51D is on the minus strand). VCF-style: chr17-35119620-C-A. GRCh37 (hg19) VCF-style: chr17-33446639-C-A.
Other names: c.-7G>T (NM_001142571.2, NM_133629.3).
Identifiers: ClinVar variation 389518 (VCV000389518.4), dbSNP rs553444507, ClinGen allele CA16607620.

ClinVar aggregate classification (germline): Conflicting classifications of pathogenicity. Review status: criteria provided, conflicting classifications (1 of 4 stars). 2 submissions from 2 submitters: Uncertain significance (1); Likely benign (1). Last evaluated 2019-04-03.

Conditions:
Hereditary cancer-predisposing syndrome. Also called: Hereditary Cancer Syndrome; Hereditary neoplastic syndrome; Neoplastic Syndromes, Hereditary; Tumor predisposition. Identifiers: Orphanet 140162, MedGen C0027672, MeSH D009386, MONDO:0015356.

Submissions (2):

Color Diagnostics, LLC DBA Color Health
Classification: Uncertain significance for Hereditary cancer-predisposing syndrome. Last evaluated: 2019-04-03. Review status: criteria provided, single submitter. Criteria: ACMG Guidelines, 2015. Collection method: clinical testing. Allele origin: germline.

GeneDx
Classification: Likely benign. Last evaluated: 2017-08-17. Review status: criteria provided, single submitter. Criteria: GeneDx Variant Classification (06012015). Collection method: clinical testing. Allele origin: germline. Affected: yes.
Comment: This variant is considered likely benign or benign based on one or more of the following criteria: it is a conservative change, it occurs at a poorly conserved position in the protein, it is predicted to be benign by multiple in silico algorithms, and/or has population frequency not consistent with disease.